The following is an entry in ClinVar:

ClinVar aggregate classification (germline): Uncertain significance. Review status: criteria provided, multiple submitters, no conflicts (2 of 4 stars). 2 submissions from 2 submitters: Uncertain significance (2). Last evaluated 2024-09-17.

Allele frequency attached by ClinVar (database versions not stated): gnomAD exomes below 0.00001.
gnomAD v4.1: 4 of 1,613,388 alleles (0.00025%); highest among the groups gnomAD compares: Non-Finnish European, 0.00017%; no homozygotes.

Submissions (2):

Blueprint Genetics
Classification: Uncertain significance. Last evaluated: 2024-09-17. Review status: criteria provided, single submitter. Criteria: ACMG Guidelines, 2015. Collection method: clinical testing. Allele origin: germline.

GeneDx
Classification: Uncertain significance. Last evaluated: 2023-05-03. Review status: criteria provided, single submitter. Criteria: GeneDx Variant Classification Process June 2021. Collection method: clinical testing. Allele origin: germline. Affected: yes.
Comment: Not observed at significant frequency in large population cohorts (gnomAD); In silico analysis supports that this missense variant has a deleterious effect on protein structure/function; Has not been previously published as pathogenic or benign to our knowledge

NM_080680.3(COL11A2):c.4391C>T (p.Pro1464Leu)

Gene: COL11A2 (collagen type XI alpha 2 chain; minus strand). Cytogenetic location: 6p21.32.
Variant type: single nucleotide variant.
Coding change: c.4391C>T on transcript NM_080680.3 (MANE Select); coding-DNA position 4391, C replaced by T.
Protein change: p.Pro1464Leu; replaces proline 1464 with leucine.
Molecular consequence: missense variant.
Genome position (GRCh38, 1-based): chr6:33,166,514, G>A on the plus strand (C>T on the coding strand, the complement: COL11A2 is on the minus strand). VCF-style: chr6-33166514-G-A. GRCh37 (hg19) VCF-style: chr6-33134291-G-A.
Other names: c.4070C>T, p.Pro1357Leu (NM_080679.3); c.4133C>T, p.Pro1378Leu (NM_080681.3); short protein forms P1357L, P1378L, P1464L.
Identifiers: ClinVar variation 2501650 (VCV002501650.2), dbSNP rs944163816, ClinGen allele CA363619985.